The following is an entry in ClinVar:

ClinVar aggregate classification (germline): Uncertain significance. Review status: criteria provided, multiple submitters, no conflicts (2 of 4 stars). 2 submissions from 2 submitters: Uncertain significance (2). Last evaluated 2026-06-17.

Conditions:
Inborn genetic diseases. Identifiers: MedGen C0950123, MeSH D030342.

gnomAD v4.1: 2 of 1,613,070 alleles (0.00012%); no homozygotes.

Submissions (2):

Ambry Genetics
Classification: Uncertain significance for Inborn genetic diseases. Last evaluated: 2026-06-17. Review status: criteria provided, single submitter. Criteria: Ambry Variant Classification Scheme 2023. Collection method: clinical testing. Allele origin: germline.

GeneDx
Classification: Uncertain significance. Last evaluated: 2024-12-12. Review status: criteria provided, single submitter. Criteria: GeneDx Variant Classification Process June 2021. Collection method: clinical testing. Allele origin: germline. Affected: yes.
Comment: Not observed at significant frequency in large population cohorts (gnomAD); In silico analysis supports that this missense variant has a deleterious effect on protein structure/function; Has not been previously published as pathogenic or benign to our knowledge

NM_206933.4(USH2A):c.4100C>A (p.Pro1367His)

Genes: USH2A (usherin; minus strand), USH2A-AS1 (USH2A antisense RNA 1; plus strand). Cytogenetic location: 1q41.
Variant type: single nucleotide variant.
Coding change: c.4100C>A on transcript NM_206933.4 (MANE Select); coding-DNA position 4100, C replaced by A.
Protein change: p.Pro1367His; replaces proline 1367 with histidine.
Molecular consequence: missense variant.
Genome position (GRCh38, 1-based): chr1:216,196,704, G>T on the plus strand (C>A on the coding strand, the complement: USH2A is on the minus strand). VCF-style: chr1-216196704-G-T. GRCh37 (hg19) VCF-style: chr1-216370046-G-T.
Other names: c.4100C>A, p.Pro1367His (NM_007123.6); short protein forms P1367H.
Identifiers: ClinVar variation 1315319 (VCV001315319.5), dbSNP rs2034854003, ClinGen allele CA344866702.